The following is an entry in ClinVar:

NM_000037.4(ANK1):c.4259-1G>T

Gene: ANK1 (ankyrin 1; minus strand). Cytogenetic location: 8p11.21.
Variant type: single nucleotide variant.
Coding change: c.4259-1G>T on transcript NM_000037.4 (MANE Select); the canonical splice acceptor site of the intron before coding-DNA position 4259, G replaced by T.
Molecular consequence: splice acceptor variant.
Genome position (GRCh38, 1-based): chr8:41,686,284, C>A on the plus strand (G>T on the coding strand, the complement: ANK1 is on the minus strand). VCF-style: chr8-41686284-C-A. GRCh37 (hg19) VCF-style: chr8-41543802-C-A.
Other names: c.4259-1G>T (NM_000037.3, NM_020477.3, NM_020475.3 and 1 more transcripts); c.4382-1G>T (NM_001142446.2).
Identifiers: ClinVar variation 2433497 (VCV002433497.4), dbSNP rs2486729264, ClinGen allele CA371057591.

ClinVar aggregate classification (germline): Conflicting classifications of pathogenicity. Review status: criteria provided, conflicting classifications (1 of 4 stars). 2 submissions from 2 submitters: Likely pathogenic (1); Uncertain significance (1). Last evaluated 2022-07-01.

Conditions:
Hereditary spherocytosis type 1. Also called: Spherocytosis type 1; ANK1-Related Spherocytosis. Identifiers: Orphanet 822, MedGen C2674218, MONDO:0008447, OMIM 182900.

Submissions (2):

Revvity Omics, Revvity
Classification: Likely pathogenic for Hereditary spherocytosis type 1. Last evaluated: 2022-07-01. Review status: criteria provided, single submitter. Criteria: ACMG Guidelines, 2015. Collection method: clinical testing. Allele origin: germline.

Mayo Clinic Laboratories, Mayo Clinic
Classification: Uncertain significance. Last evaluated: 2022-05-31. Review status: criteria provided, single submitter. Criteria: ACMG Guidelines, 2015. Collection method: clinical testing. Allele origin: germline. Observed: 1 variant allele.
Comment: PM2, PVS1_moderate